The following is an entry in ClinVar:

NM_005391.5(PDK3):c.221G>A (p.Arg74His)

Gene: PDK3 (pyruvate dehydrogenase kinase 3; plus strand). Cytogenetic location: Xp22.11.
Variant type: single nucleotide variant.
Coding change: c.221G>A on transcript NM_005391.5 (MANE Select); coding-DNA position 221, G replaced by A.
Protein change: p.Arg74His; replaces arginine 74 with histidine.
Molecular consequence: missense variant.
Genome position (GRCh38, 1-based): chrX:24,494,856, G>A. VCF-style: chrX-24494856-G-A. GRCh37 (hg19) VCF-style: chrX-24512973-G-A.
Other names: c.221G>A, p.Arg74His (NM_001142386.3); short protein forms R74H.
Identifiers: ClinVar variation 2044681 (VCV002044681.4), dbSNP rs781685582, ClinGen allele CA412604281.

ClinVar aggregate classification (germline): Uncertain significance (1 of 4 stars; one submission).

Conditions:
Charcot-Marie-Tooth disease X-linked dominant 6. Also called: CHARCOT-MARIE-TOOTH NEUROPATHY, X-LINKED DOMINANT, 6. Identifiers: Orphanet 352675, MedGen C3806702, MONDO:0010479, OMIM 300905.

gnomAD v4.1: 5 of 1,205,890 alleles (0.00041%); highest among the groups gnomAD compares: Admixed American, 0.0022%; no homozygotes.

Submission:

Labcorp Genetics (formerly Invitae), Labcorp
Classification: Uncertain significance for Charcot-Marie-Tooth disease X-linked dominant 6. Last evaluated: 2021-12-17. Review status: criteria provided, single submitter. Criteria: Invitae Variant Classification Sherloc (09022015). Collection method: clinical testing. Allele origin: germline.
Comment: Algorithms developed to predict the effect of missense changes on protein structure and function (SIFT, PolyPhen-2, Align-GVGD) all suggest that this variant is likely to be tolerated. In summary, the available evidence is currently insufficient to determine the role of this variant in disease. Therefore, it has been classified as a Variant of Uncertain Significance. This variant has not been reported in the literature in individuals affected with PDK3-related conditions. This variant is not present in population databases (gnomAD no frequency). This sequence change replaces arginine, which is basic and polar, with histidine, which is basic and polar, at codon 74 of the PDK3 protein (p.Arg74His).